The following is an entry in ClinVar:

NM_005732.4(RAD50):c.809A>G (p.Asn270Ser)

Gene: RAD50 (RAD50 double strand break repair protein; plus strand). Cytogenetic location: 5q31.1.
Variant type: single nucleotide variant.
Coding change: c.809A>G on transcript NM_005732.4 (MANE Select); coding-DNA position 809, A replaced by G.
Protein change: p.Asn270Ser; replaces asparagine 270 with serine.
Molecular consequence: missense variant.
Genome position (GRCh38, 1-based): chr5:132,587,614, A>G. VCF-style: chr5-132587614-A-G. GRCh37 (hg19) VCF-style: chr5-131923306-A-G.
Other names: short protein forms N270S.
Identifiers: ClinVar variation 1488445 (VCV001488445.8), dbSNP rs2149840429, ClinGen allele CA360940182.

ClinVar aggregate classification (germline): Uncertain significance. Review status: criteria provided, multiple submitters, no conflicts (2 of 4 stars). 2 submissions from 2 submitters: Uncertain significance (2). Last evaluated 2021-11-12.

Conditions:
Hereditary cancer-predisposing syndrome. Also called: Hereditary neoplastic syndrome; Neoplastic Syndromes, Hereditary; Hereditary Cancer Syndrome; Tumor predisposition. Identifiers: Orphanet 140162, MedGen C0027672, MeSH D009386, MONDO:0015356.

Submissions (2):

Labcorp Genetics (formerly Invitae), Labcorp
Classification: Uncertain significance for Hereditary cancer-predisposing syndrome. Last evaluated: 2021-11-12. Review status: criteria provided, single submitter. Criteria: Invitae Variant Classification Sherloc (09022015). Collection method: clinical testing. Allele origin: germline.
Comment: In summary, the available evidence is currently insufficient to determine the role of this variant in disease. Therefore, it has been classified as a Variant of Uncertain Significance. Algorithms developed to predict the effect of sequence changes on RNA splicing suggest that this variant may create or strengthen a splice site. Algorithms developed to predict the effect of missense changes on protein structure and function (SIFT, PolyPhen-2, Align-GVGD) all suggest that this variant is likely to be tolerated. This variant has not been reported in the literature in individuals affected with RAD50-related conditions. This variant is not present in population databases (gnomAD no frequency). This sequence change replaces asparagine, which is neutral and polar, with serine, which is neutral and polar, at codon 270 of the RAD50 protein (p.Asn270Ser).

Ambry Genetics
Classification: Uncertain significance for Hereditary cancer-predisposing syndrome. Last evaluated: 2021-08-22. Review status: criteria provided, single submitter. Criteria: Ambry Variant Classification Scheme 2023. Collection method: clinical testing. Allele origin: germline.
Comment: The p.N270S variant (also known as c.809A>G), located in coding exon 6 of the RAD50 gene, results from an A to G substitution at nucleotide position 809. The asparagine at codon 270 is replaced by serine, an amino acid with highly similar properties. This amino acid position is conserved. In addition, this alteration is predicted to be tolerated by in silico analysis. Since supporting evidence is limited at this time, the clinical significance of this alteration remains unclear.